The following is an entry in ClinVar:

NM_000138.5(FBN1):c.6191A>T (p.Lys2064Met)

Gene: FBN1 (fibrillin 1; minus strand). Cytogenetic location: 15q21.1.
Variant type: single nucleotide variant.
Coding change: c.6191A>T on transcript NM_000138.5 (MANE Select); coding-DNA position 6191, A replaced by T.
Protein change: p.Lys2064Met; replaces lysine 2064 with methionine.
Molecular consequence: missense variant.
Genome position (GRCh38, 1-based): chr15:48,437,890, T>A on the plus strand (A>T on the coding strand, the complement: FBN1 is on the minus strand). VCF-style: chr15-48437890-T-A. GRCh37 (hg19) VCF-style: chr15-48730087-T-A.
Other names: short protein forms K2064M.
Identifiers: ClinVar variation 925538 (VCV000925538.4), dbSNP rs2043085579, ClinGen allele CA392337226.

ClinVar aggregate classification (germline): Uncertain significance (1 of 4 stars; one submission).

Conditions:
Familial thoracic aortic aneurysm and aortic dissection (TAAD). Also called: Thoracic aortic aneurysms and dissections. Identifiers: Orphanet 91387, MedGen C4707243, MONDO:0019625.

Submission:

Color Diagnostics, LLC DBA Color Health
Classification: Uncertain significance for Familial thoracic aortic aneurysm and aortic dissection. Last evaluated: 2024-03-07. Review status: criteria provided, single submitter. Criteria: ACMG Guidelines, 2015. Collection method: clinical testing. Allele origin: germline.
Comment: This missense variant replaces lysine with methionine at codon 2064 of the FBN1 protein. Computational prediction tool suggests that this variant may have deleterious impact on protein structure and function (internally defined REVEL score threshold >=0.7, PMID: 27666373). Splice site prediction tools suggest that this variant may not impact RNA splicing. To our knowledge, functional studies have not been performed for this variant. This variant has not been reported in individuals affected with cardiovascular disorders in the literature. This variant has not been identified in the general population by the Genome Aggregation Database (gnomAD). The available evidence is insufficient to determine the role of this variant in disease conclusively. Therefore, this variant is classified as a Variant of Uncertain Significance.